The following is an entry in ClinVar:

ClinVar aggregate classification (germline): Uncertain significance (1 of 4 stars; one submission).

Submission:

Ambry Genetics
Classification: Uncertain significance. Last evaluated: 2026-04-06. Review status: criteria provided, single submitter. Criteria: Ambry Variant Classification Scheme 2023. Collection method: clinical testing. Allele origin: germline.
Comment: The c.1264_1266delTTC variant (also known as p.F422del) is located in coding exon 7 of the PALLD gene. This variant results from an in-frame TTC deletion at nucleotide positions 1264 to 1266. This results in the in-frame deletion of a phenylalanine at codon 422. This amino acid position is highly conserved in available vertebrate species. In addition, this variant is predicted to be deleterious by in silico analysis. The evidence for this gene-disease relationship is limited; therefore, the clinical significance of this variant is unclear.

NM_001166108.2(PALLD):c.2773TTC[1] (p.Phe926del)

Genes: CBR4 (carbonyl reductase 4; minus strand), PALLD (palladin, cytoskeletal associated protein; plus strand). Cytogenetic location: 4q32.3.
Variant type: Microsatellite.
Coding change: c.2773TTC[1] on transcript NM_001166108.2 (MANE Select); one copy of the 3-base unit TTC starting at c.2773; the reference has two copies in a row; one copy, 3 bases deleted.
Protein change: p.Phe926del; deletes phenylalanine 926.
Molecular consequence: inframe deletion.
Genome position (GRCh38, 1-based): chr4:168,915,953-168,915,955, TTC deleted; deleting any 3 consecutive bases within chr4:168,915,950-168,915,955 gives the same sequence; the position shown is the placement nearest the transcript's 3' end. VCF-style (leftmost placement, unchanged base first): chr4-168915949-ATTC-A. GRCh37 (hg19) VCF-style: chr4-169837100-ATTC-A.
Other names: c.1576TTC[1], p.Phe527del (NM_001166109.2); c.1261TTC[1], p.Phe422del (NM_001166110.2); c.601TTC[1], p.Phe202del (NM_001367567.1, NM_001367569.1); c.652TTC[1], p.Phe219del (NM_001367568.1, NM_001367570.1); c.2722TTC[1], p.Phe909del (NM_016081.4); short protein forms F202del, F219del, F422del, F527del, F909del, F926del.
Identifiers: ClinVar variation 4861519 (VCV004861519.1).